The following is an entry in ClinVar:

NM_004793.4(LONP1):c.2706C>T (p.Ala902=)

Gene: LONP1 (lon peptidase 1, mitochondrial; minus strand). Cytogenetic location: 19p13.3.
Variant type: single nucleotide variant.
Coding change: c.2706C>T on transcript NM_004793.4 (MANE Select); coding-DNA position 2706, C replaced by T.
Protein change: p.Ala902=; no amino-acid change (alanine 902 retained).
Molecular consequence: synonymous variant. On other transcripts: non-coding transcript variant (1).
Genome position (GRCh38, 1-based): chr19:5,692,206, G>A on the plus strand (C>T on the coding strand, the complement: LONP1 is on the minus strand). VCF-style: chr19-5692206-G-A. GRCh37 (hg19) VCF-style: chr19-5692217-G-A.
Other names: c.2514C>T, p.Ala838= (NM_001276479.2); c.2118C>T, p.Ala706= (NM_001276480.1).
Identifiers: ClinVar variation 2649120 (VCV002649120.24), dbSNP rs1716170385, ClinGen allele CA403525357.

ClinVar aggregate classification (germline): Likely benign (1 of 4 stars; one submission).

gnomAD v4.1: 1 of 1,610,178 alleles (0.000062%); highest among the groups gnomAD compares: Non-Finnish European, 0.000085%; no homozygotes.

Submission:

CeGaT Center for Human Genetics Tuebingen
Classification: Likely benign. Last evaluated: 2022-03-01. Review status: criteria provided, single submitter. Criteria: CeGaT Center For Human Genetics Tuebingen Variant Classification Criteria Version 2. Collection method: clinical testing. Allele origin: germline. Affected: yes. Observed: 1 variant allele.
Comment: LONP1: PM2:Supporting, BP4, BP7